The following is an entry in ClinVar:

ClinVar aggregate classification (germline): Uncertain significance (1 of 4 stars; one submission).

Conditions:
Catecholaminergic polymorphic ventricular tachycardia 1. Also called: RYR2-Related Catecholaminergic Polymorphic Ventricular Tachycardia; VENTRICULAR TACHYCARDIA, CATECHOLAMINERGIC POLYMORPHIC, 1, WITH OR WITHOUT ATRIAL DYSFUNCTION AND/OR DILATED CARDIOMYOPATHY; VENTRICULAR TACHYCARDIA, STRESS-INDUCED POLYMORPHIC 1. Identifiers: Orphanet 3286, MedGen C1631597, MONDO:0011484, OMIM 604772.

Submission:

Labcorp Genetics (formerly Invitae), Labcorp
Classification: Uncertain significance for Catecholaminergic polymorphic ventricular tachycardia 1. Last evaluated: 2022-11-08. Review status: criteria provided, single submitter. Criteria: Invitae Variant Classification Sherloc (09022015). Collection method: clinical testing. Allele origin: germline.
Comment: This variant has not been reported in the literature in individuals affected with RYR2-related conditions. In summary, the available evidence is currently insufficient to determine the role of this variant in disease. Therefore, it has been classified as a Variant of Uncertain Significance. Advanced modeling of protein sequence and biophysical properties (such as structural, functional, and spatial information, amino acid conservation, physicochemical variation, residue mobility, and thermodynamic stability) has been performed at Invitae for this missense variant, however the output from this modeling did not meet the statistical confidence thresholds required to predict the impact of this variant on RYR2 protein function. This variant is not present in population databases (gnomAD no frequency). This sequence change replaces tyrosine, which is neutral and polar, with cysteine, which is neutral and slightly polar, at codon 3780 of the RYR2 protein (p.Tyr3780Cys).

NM_001035.3(RYR2):c.11339A>G (p.Tyr3780Cys)

Gene: RYR2 (ryanodine receptor 2; plus strand). Cytogenetic location: 1q43.
Variant type: single nucleotide variant.
Coding change: c.11339A>G on transcript NM_001035.3 (MANE Select); coding-DNA position 11339, A replaced by G.
Protein change: p.Tyr3780Cys; replaces tyrosine 3780 with cysteine.
Molecular consequence: missense variant.
Genome position (GRCh38, 1-based): chr1:237,759,789, A>G. VCF-style: chr1-237759789-A-G. GRCh37 (hg19) VCF-style: chr1-237923089-A-G.
Other names: short protein forms Y3780C.
Identifiers: ClinVar variation 2812790 (VCV002812790.3), dbSNP rs2527444567, ClinGen allele CA345428446.
Genomic context (GRCh38, chr1:237,759,789, plus strand): 5'-AATAAGATTTTTGTTCAGTGGCCACGTGGTTTCTATAATTCCCATAGAAAATGCTTGACT[A>G]CCTCAAGGAGAAAAAGGATGTGGGCTTCTTTCAGAGCCTGGCCGGCCTGATGCAGTCATG-3'
Protein context (NP_001026.2, residues 3770-3790): NSTVQQKMLD[Tyr3780Cys]LKEKKDVGFF